The following is an entry in ClinVar:

NM_002335.4(LRP5):c.1322A>G (p.Glu441Gly)

Gene: LRP5 (LDL receptor related protein 5; plus strand). Cytogenetic location: 11q13.2.
Variant type: single nucleotide variant.
Coding change: c.1322A>G on transcript NM_002335.4 (MANE Select); coding-DNA position 1322, A replaced by G.
Protein change: p.Glu441Gly; replaces glutamic acid 441 with glycine.
Molecular consequence: missense variant. On other transcripts: 5 prime UTR variant (1).
Genome position (GRCh38, 1-based): chr11:68,386,622, A>G. VCF-style: chr11-68386622-A-G. GRCh37 (hg19) VCF-style: chr11-68154090-A-G.
Other names: c.-444A>G (NM_001291902.2); short protein forms E441G.
Identifiers: ClinVar variation 2834254 (VCV002834254.3), dbSNP rs2098643218, ClinGen allele CA381612703.

ClinVar aggregate classification (germline): Uncertain significance (1 of 4 stars; one submission).

Submission:

Labcorp Genetics (formerly Invitae), Labcorp
Classification: Uncertain significance. Last evaluated: 2023-02-03. Review status: criteria provided, single submitter. Criteria: Invitae Variant Classification Sherloc (09022015). Collection method: clinical testing. Allele origin: germline.
Comment: In summary, the available evidence is currently insufficient to determine the role of this variant in disease. Therefore, it has been classified as a Variant of Uncertain Significance. This variant disrupts the p.Glu441 amino acid residue in LRP5. Other variant(s) that disrupt this residue have been determined to be pathogenic (PMID: 20340138, 30452590). This suggests that this residue is clinically significant, and that variants that disrupt this residue are likely to be disease-causing. Algorithms developed to predict the effect of missense changes on protein structure and function (SIFT, PolyPhen-2, Align-GVGD) all suggest that this variant is likely to be disruptive. This variant has not been reported in the literature in individuals affected with LRP5-related conditions. This variant is not present in population databases (gnomAD no frequency). This sequence change replaces glutamic acid, which is acidic and polar, with glycine, which is neutral and non-polar, at codon 441 of the LRP5 protein (p.Glu441Gly).

Literature cited by the submitters: PubMed 20340138; PubMed 30452590.